The following is an entry in ClinVar:

ClinVar aggregate classification (germline): Uncertain significance. Review status: criteria provided, multiple submitters, no conflicts (2 of 4 stars). 2 submissions from 2 submitters: Uncertain significance (2). Last evaluated 2026-01-12.

Conditions:
Inborn genetic diseases. Identifiers: MedGen C0950123, MeSH D030342.

Allele frequency attached by ClinVar (database versions not stated): gnomAD exomes below 0.00001; TOPMed below 0.00001.
gnomAD v4.1: 2 of 1,614,130 alleles (0.00012%); highest among the groups gnomAD compares: Admixed American, 0.0033%; no homozygotes.

Submissions (2):

Labcorp Genetics (formerly Invitae), Labcorp
Classification: Uncertain significance. Last evaluated: 2026-01-12. Review status: criteria provided, single submitter. Criteria: Invitae Variant Classification Sherloc (09022015). Collection method: clinical testing. Allele origin: germline.
Comment: This sequence change replaces glutamic acid, which is acidic and polar, with glycine, which is neutral and non-polar, at codon 666 of the COL10A1 protein (p.Glu666Gly). This variant is not present in population databases (gnomAD no frequency). This variant has not been reported in the literature in individuals affected with COL10A1-related conditions. ClinVar contains an entry for this variant (Variation ID: 2785681). Invitae Evidence Modeling of protein sequence and biophysical properties (such as structural, functional, and spatial information, amino acid conservation, physicochemical variation, residue mobility, and thermodynamic stability) has been performed for this missense variant. However, the output from this modeling did not meet the statistical confidence thresholds required to predict the impact of this variant on COL10A1 protein function. In summary, the available evidence is currently insufficient to determine the role of this variant in disease. Therefore, it has been classified as a Variant of Uncertain Significance.

Ambry Genetics
Classification: Uncertain significance for Inborn genetic diseases. Last evaluated: 2025-05-23. Review status: criteria provided, single submitter. Criteria: Ambry Variant Classification Scheme 2023. Collection method: clinical testing. Allele origin: germline.

NM_000493.4(COL10A1):c.1997A>G (p.Glu666Gly)

Genes: COL10A1 (collagen type X alpha 1 chain; minus strand), NT5DC1 (5'-nucleotidase domain containing 1; plus strand). Cytogenetic location: 6q22.1.
Variant type: single nucleotide variant.
Coding change: c.1997A>G on transcript NM_000493.4 (MANE Select); coding-DNA position 1997, A replaced by G.
Protein change: p.Glu666Gly; replaces glutamic acid 666 with glycine.
Molecular consequence: missense variant. On other transcripts: intron variant (1).
Genome position (GRCh38, 1-based): chr6:116,120,119, T>C on the plus strand (A>G on the coding strand, the complement: COL10A1 is on the minus strand). VCF-style: chr6-116120119-T-C. GRCh37 (hg19) VCF-style: chr6-116441282-T-C.
Other names: c.1997A>G, p.Glu666Gly (NM_001424106.1, NM_001424107.1); c.529+2174T>C (NM_152729.3); c.1997A>G (NM_000493.3); short protein forms E666G.
Identifiers: ClinVar variation 2785681 (VCV002785681.4), dbSNP rs1779064252, ClinGen allele CA365386236.